The following is an entry in ClinVar:

ClinVar aggregate classification (germline): Uncertain significance. Review status: criteria provided, multiple submitters, no conflicts (2 of 4 stars). 2 submissions from 2 submitters: Uncertain significance (2). Last evaluated 2025-02-19.

Conditions:
Immunodeficiency 35 (IMD35). Also called: Susceptibility to infection due to TYK2 deficiency; TYK2 DEFICIENCY; HIES WITH ATYPICAL MYCOBACTERIOSIS, AUTOSOMAL RECESSIVE; HYPER-IgE SYNDROME WITH ATYPICAL MYCOBACTERIOSIS, AUTOSOMAL RECESSIVE. Identifiers: Orphanet 331226, MedGen C1969086, MONDO:0012682, OMIM 611521.
Inborn genetic diseases. Identifiers: MedGen C0950123, MeSH D030342.

Allele frequency attached by ClinVar (database versions not stated): gnomAD 0.00001; TOPMed 0.00001; ExAC 0.00003.
gnomAD v4.1: 31 of 1,614,008 alleles (0.0019%); highest among the groups gnomAD compares: Non-Finnish European, 0.0025%; no homozygotes.

Submissions (2):

Ambry Genetics
Classification: Uncertain significance for Inborn genetic diseases. Last evaluated: 2025-02-19. Review status: criteria provided, single submitter. Criteria: Ambry Variant Classification Scheme 2023. Collection method: clinical testing. Allele origin: germline.

Labcorp Genetics (formerly Invitae), Labcorp
Classification: Uncertain significance for Immunodeficiency 35. Last evaluated: 2022-07-26. Review status: criteria provided, single submitter. Criteria: Invitae Variant Classification Sherloc (09022015). Collection method: clinical testing. Allele origin: germline.
Comment: In summary, the available evidence is currently insufficient to determine the role of this variant in disease. Therefore, it has been classified as a Variant of Uncertain Significance. Algorithms developed to predict the effect of missense changes on protein structure and function output the following: SIFT: "Not Available"; PolyPhen-2: "Benign"; Align-GVGD: "Not Available". The glutamine amino acid residue is found in multiple mammalian species, which suggests that this missense change does not adversely affect protein function. ClinVar contains an entry for this variant (Variation ID: 1461021). This variant has not been reported in the literature in individuals affected with TYK2-related conditions. This variant is present in population databases (rs756742784, gnomAD 0.006%). This sequence change replaces arginine, which is basic and polar, with glutamine, which is neutral and polar, at codon 1136 of the TYK2 protein (p.Arg1136Gln).

NM_003331.5(TYK2):c.3407G>A (p.Arg1136Gln)

Gene: TYK2 (tyrosine kinase 2; minus strand). Cytogenetic location: 19p13.2.
Variant type: single nucleotide variant.
Coding change: c.3407G>A on transcript NM_003331.5 (MANE Select); coding-DNA position 3407, G replaced by A.
Protein change: p.Arg1136Gln; replaces arginine 1136 with glutamine.
Molecular consequence: missense variant. On other transcripts: intron variant (1).
Genome position (GRCh38, 1-based): chr19:10,351,074, C>T on the plus strand (G>A on the coding strand, the complement: TYK2 is on the minus strand). VCF-style: chr19-10351074-C-T. GRCh37 (hg19) VCF-style: chr19-10461750-C-T.
Other names: c.3257G>A, p.Arg1086Gln (NM_001385198.1); c.3221G>A, p.Arg1074Gln (NM_001385199.1); c.3404G>A, p.Arg1135Gln (NM_001385200.1); c.3209G>A, p.Arg1070Gln (NM_001385201.1); c.3323G>A, p.Arg1108Gln (NM_001385202.1); c.3488G>A, p.Arg1163Gln (NM_001385203.1); c.3617G>A, p.Arg1206Gln (NM_001385204.1); c.3317G>A, p.Arg1106Gln (NM_001385205.1); and 4 more; short protein forms R1074Q, R1086Q, R1106Q, R1108Q, R1135Q, R1094Q, R1136Q, R1163Q.
Identifiers: ClinVar variation 1461021 (VCV001461021.5), dbSNP rs756742784, ClinGen allele CA9192733.
Genomic context (GRCh38, chr19:10,351,074, plus strand): 5'-AGGATAGTGGGGTCAGGGAAAGACAAAGGAAGTCTCACCTCACAGGGACATTTGTCGGGC[C>T]GTGGCAGCCTCTCCCCTCGTTCCAGCAACTCAGTGAGTCTCAGAACTGTCATCTGACCCT-3'
Protein context (NP_003322.3, residues 1126-1146): ELLERGERLP[Arg1136Gln]PDKCPCEVYH